The following is an entry in ClinVar:

NM_000498.3(CYP11B2):c.541C>T (p.Arg181Trp)

Genes: CYP11B2 (cytochrome P450 family 11 subfamily B member 2; minus strand), LOC106799834 (CYP11B2 recombination region; plus strand). Cytogenetic location: 8q24.3.
Variant type: single nucleotide variant.
Coding change: c.541C>T on transcript NM_000498.3 (MANE Select); coding-DNA position 541, C replaced by T.
Protein change: p.Arg181Trp; replaces arginine 181 with tryptophan.
Molecular consequence: missense variant.
Genome position (GRCh38, 1-based): chr8:142,915,100, G>A on the plus strand (C>T on the coding strand, the complement: CYP11B2 is on the minus strand). VCF-style: chr8-142915100-G-A. GRCh37 (hg19) VCF-style: chr8-143996516-G-A.
Other names: short protein forms R181W.
Identifiers: ClinVar variation 242773 (VCV000242773.18), dbSNP rs28931609, ClinGen allele CA038796.

ClinVar aggregate classification (germline): Conflicting classifications of pathogenicity. Review status: criteria provided, conflicting classifications (1 of 4 stars). 7 submissions from 7 submitters: Likely pathogenic (3); Uncertain significance (3). 1 of the submissions does not count toward it. Last evaluated 2026-08-06.

Conditions:
Early-onset familial hypoaldosteronism. Identifiers: Orphanet 556030, MedGen C5680171, MONDO:0035320.
Corticosterone methyl oxidase type II deficiency.
Corticosterone 18-monooxygenase deficiency. Also called: ALDOSTERONE DEFICIENCY DUE TO DEFECT IN STEROID 18-HYDROXYLASE; ALDOSTERONE DEFICIENCY I; CMO I DEFICIENCY; STEROID 18-HYDROXYLASE DEFICIENCY; 18 Hydroxylase deficiency; Aldosterone deficiency due to defect in 18 hydroxylase. Identifiers: Orphanet 427, MedGen C0268293, MONDO:0008751, OMIM 203400. Disease mechanism: loss of function.
Corticosterone methyloxidase type 2 deficiency. Also called: 18-OXIDASE DEFICIENCY; ALDOSTERONE DEFICIENCY DUE TO DEFICIENCY OF STEROID 18-OXIDASE; ALDOSTERONE DEFICIENCY II; CMO II DEFICIENCY; STEROID 18-OXIDASE DEFICIENCY. Identifiers: Orphanet 427, MedGen C3463917, MONDO:0012524, OMIM 610600. Disease mechanism: loss of function.

Allele frequency attached by ClinVar (database versions not stated): TOPMed 0.00001; gnomAD 0.00002 and 0.00001; gnomAD exomes 0.00003 and 0.00002; ExAC 0.00003.
gnomAD v4.1: 48 of 1,613,704 alleles (0.003%); highest among the groups gnomAD compares: Middle Eastern, 0.082%; no homozygotes.

Submissions (7):

GeneDx
Classification: Likely pathogenic. Last evaluated: 2026-08-06. Review status: criteria provided, single submitter. Criteria: GeneDx Variant Classification Process June 2021. Collection method: clinical testing. Allele origin: germline.
Comment: Observed in the homozygous state in individuals with aldosterone synthase deficiency in published literature, however these individuals were also homozygous for an additional variant in the CYP11B2 gene. Additionally, the R181W variant alone was observed in the homozygous state in several unaffected family members (PMID: 1594605, 1346492); Observed with additional variant(s) in the CYP11B2 gene in patients with aldosterone synthase deficiency type II, but it is not known whether the variants occurred on the same (in cis) or on different (in trans) chromosomes in some cases (PMID: 16733366, 7485152); Published functional studies suggest a damaging effect with a defect in 18-oxidation; however additional studies are needed to confirm this effect in vivo (PMID: 21237269, 1594605); In silico analysis supports that this missense variant has a deleterious effect on protein structure/function; This variant is associated with the following publications: (PMID: 7792802, 1594605, 25102047, 7485152, 12788848, 1346492, 22801770, 33098647, 16733366, 21237269)

Women's Health and Genetics/Laboratory Corporation of America, LabCorp
Classification: Uncertain significance. Last evaluated: 2026-02-17. Review status: criteria provided, single submitter. Criteria: LabCorp Variant Classification Summary - May 2015. Collection method: clinical testing. Allele origin: germline.
Comment: Variant summary: CYP11B2 c.541C>T (p.Arg181Trp) results in a non-conservative amino acid change in the encoded protein sequence. Algorithms developed to predict the effect of missense changes on protein structure and function all suggest that this variant is likely to be disruptive. The variant allele was found at a frequency of 2e-05 in 249592 control chromosomes. c.541C>T has been observed in individual(s) affected with Familial Hypoaldosteronism (e.g. Pascoe_1992, Leshinsky-Silver_2006). These report(s) do not provide unequivocal conclusions about association of the variant with Familial Hypoaldosteronism. Multiple publication report experimental evidence evaluating an impact on protein function, however, provide conflicting results (Pascoe_1992, Zhang_1995, Tin_2011). The following publications have been ascertained in the context of this evaluation (PMID: 1594605, 7485152, 16733366, 21237269). ClinVar contains an entry for this variant (Variation ID: 242773). Based on the evidence outlined above, the variant was classified as VUS-possibly pathogenic.

Labcorp Genetics (formerly Invitae), Labcorp
Classification: Uncertain significance. Last evaluated: 2025-09-10. Review status: criteria provided, single submitter. Criteria: Invitae Variant Classification Sherloc (09022015). Collection method: clinical testing. Allele origin: germline.
Comment: This sequence change replaces arginine, which is basic and polar, with tryptophan, which is neutral and slightly polar, at codon 181 of the CYP11B2 protein (p.Arg181Trp). This variant is present in population databases (rs28931609, gnomAD 0.004%). This variant when in cis with p.Val386Ala has been observed in multiple individuals affected with hypoaldosteronism and reported to segregate with disease (PMID: 1594605, 7485152, 16733366, 1346492). The clinical significance of this variant independent of the p.Val386Ala variant is unclear and has only been reported in one individual (PMID: 16733366). ClinVar contains an entry for this variant (Variation ID: 242773). Invitae Evidence Modeling of protein sequence and biophysical properties (such as structural, functional, and spatial information, amino acid conservation, physicochemical variation, residue mobility, and thermodynamic stability) has been performed for this missense variant. However, the output from this modeling did not meet the statistical confidence thresholds required to predict the impact of this variant on CYP11B2 protein function. This variant has been reported to affect CYP11B2 protein function both on its own and when in cis with p.Val386Ala (PMID: 7792802, 12788848). In summary, the available evidence is currently insufficient to determine the role of this variant in disease. Therefore, it has been classified as a Variant of Uncertain Significance.

Clinical Biochemistry Laboratory, Health Services Laboratory
Classification: Likely pathogenic for Early-onset familial hypoaldosteronism. Last evaluated: 2024-08-27. Review status: criteria provided, single submitter. Criteria: ACMG Guidelines, 2015. Collection method: clinical testing. Allele origin: germline. Inheritance: Autosomal recessive inheritance. Affected: yes.
Comment: We observed this variant in 2 cases in our laboratory, both with the expected clinical and biochemical phenotype (hyperreninaemia, hyponatraemia) and urine steroid metabolites indicative of aldosterone synthase deficiency. In the second case c.1157T>C was not present and the individual was a compound heterozygote with c.1471C>T (p.Pro491Ser), confirmed in trans by family studies. We applied codes PM2, PM3, PP3, and PP4. Our conclusion is supported by publications from Pascoe 1992 (PMID1594605) and Zhang 1995 (PMID 7485152) which both show p.R181W to have a significant loss of activity in vitro expressed in two different cell types. ACMG:PM2 PM3 PP3 PP4

Fulgent Genetics
Classification: Likely pathogenic for Corticosterone 18-monooxygenase deficiency; Corticosterone methyloxidase type 2 deficiency. Last evaluated: 2024-03-07. Review status: criteria provided, single submitter. Criteria: ACMG Guidelines, 2015. Collection method: clinical testing. Allele origin: germline.

Blueprint Genetics
Classification: Uncertain significance. Last evaluated: 2023-01-26. Review status: criteria provided, single submitter. Criteria: ACMG Guidelines, 2015. Collection method: clinical testing. Allele origin: germline.

Natera, Inc.
Classification: Uncertain significance for Corticosterone methyl oxidase type II deficiency. Last evaluated: 2020-09-16. Review status: no assertion criteria provided. Collection method: clinical testing. Allele origin: germline. Not counted in ClinVar's aggregate classification.

Literature cited by the submitters: PubMed 16733366 (cited by Women's Health and Genetics/Laboratory Corporation of America, LabCorp and Labcorp Genetics (formerly Invitae), Labcorp); PubMed 1594605 (cited by 3 submitters); PubMed 21237269 (cited by Women's Health and Genetics/Laboratory Corporation of America, LabCorp); PubMed 7485152 (cited by 3 submitters); PubMed 1346492 (cited by Labcorp Genetics (formerly Invitae), Labcorp); PubMed 7792802 (cited by Labcorp Genetics (formerly Invitae), Labcorp); PubMed 12788848 (cited by Labcorp Genetics (formerly Invitae), Labcorp).